The following is an entry in ClinVar:

ClinVar aggregate classification (germline): Uncertain significance (1 of 4 stars; one submission).

Conditions:
Hypertrophic cardiomyopathy 26. Also called: Cardiomyopathy, familial hypertrophic, 26. Identifiers: Orphanet 75249, MedGen C4310749, MONDO:0014883, OMIM 617047.
Myofibrillar myopathy 5. Also called: Filaminopathy (type); FILAMINOPATHY, AUTOSOMAL DOMINANT. Identifiers: Orphanet 171445, MedGen C1836050, MONDO:0012289, OMIM 609524.
Distal myopathy with posterior leg and anterior hand involvement. Also called: WILLIAMS DISTAL MYOPATHY. Identifiers: Orphanet 63273, MedGen C3279722, MONDO:0013550, OMIM 614065.

Allele frequency attached by ClinVar (database versions not stated): gnomAD exomes 0.00001.
gnomAD v4.1: 5 of 1,610,760 alleles (0.00031%); highest among the groups gnomAD compares: Non-Finnish European, 0.00042%; no homozygotes.

Submission:

Labcorp Genetics (formerly Invitae), Labcorp
Classification: Uncertain significance for Distal myopathy with posterior leg and anterior hand involvement; Myofibrillar myopathy 5; Hypertrophic cardiomyopathy 26. Last evaluated: 2025-11-12. Review status: criteria provided, single submitter. Criteria: Invitae Variant Classification Sherloc (09022015). Collection method: clinical testing. Allele origin: germline.
Comment: This sequence change falls in intron 28 of the FLNC gene. It does not directly change the encoded amino acid sequence of the FLNC protein. It affects a nucleotide within the consensus splice site. This variant is not present in population databases (gnomAD no frequency). This variant has not been reported in the literature in individuals affected with FLNC-related conditions. ClinVar contains an entry for this variant (Variation ID: 1440913). Variants that disrupt the consensus splice site are a relatively common cause of aberrant splicing (PMID: 17576681, 9536098). Algorithms developed to predict the effect of sequence changes on RNA splicing suggest that this variant is not likely to affect RNA splicing. In summary, the available evidence is currently insufficient to determine the role of this variant in disease. Therefore, it has been classified as a Variant of Uncertain Significance.

Literature cited by the submitters: PubMed 17576681; PubMed 9536098.

NM_001458.5(FLNC):c.4927+3G>A

Gene: FLNC (filamin C; plus strand). Cytogenetic location: 7q32.1.
Variant type: single nucleotide variant.
Coding change: c.4927+3G>A on transcript NM_001458.5 (MANE Select); 3 bases into the intron after coding-DNA position 4927, G replaced by A.
Molecular consequence: intron variant.
Genome position (GRCh38, 1-based): chr7:128,848,985, G>A. VCF-style: chr7-128848985-G-A. GRCh37 (hg19) VCF-style: chr7-128489039-G-A.
Other names: c.4927+3G>A (NM_001127487.2).
Identifiers: ClinVar variation 1440913 (VCV001440913.6), dbSNP rs2128937684, ClinGen allele CA2573141622.